The following is an entry in ClinVar:

ClinVar aggregate classification (germline): Pathogenic (1 of 4 stars; one submission).

Conditions:
Wilson disease (WND). Also called: Wilson's disease. Identifiers: Orphanet 905, MedGen C0019202, MONDO:0010200, OMIM 277900. Disease mechanism: loss of function.

Submission:

Labcorp Genetics (formerly Invitae), Labcorp
Classification: Pathogenic for Wilson disease. Last evaluated: 2021-08-18. Review status: criteria provided, single submitter. Criteria: Invitae Variant Classification Sherloc (09022015). Collection method: clinical testing. Allele origin: germline.
Comment: This variant has not been reported in the literature in individuals affected with ATP7B-related conditions. For these reasons, this variant has been classified as Pathogenic. This variant is not present in population databases (ExAC no frequency). This sequence change creates a premature translational stop signal (p.Ala1295Argfs*6) in the ATP7B gene. It is expected to result in an absent or disrupted protein product. Loss-of-function variants in ATP7B are known to be pathogenic (PMID: 10441329, 16283883).

Literature cited by the submitters: PubMed 10441329; PubMed 16283883.

NM_000053.4(ATP7B):c.3883_3890del (p.Ala1295fs)

Gene: ATP7B (ATPase copper transporting beta; minus strand). Cytogenetic location: 13q14.3.
Variant type: Deletion.
Coding change: c.3883_3890del on transcript NM_000053.4 (MANE Select); coding-DNA positions 3883 to 3890, 8 bases deleted (GCCGACGT; older notation c.3883_3890delGCCGACGT).
Protein change: p.Ala1295fs; shifts the reading frame from alanine 1295.
Molecular consequence: frameshift variant.
Genome position (GRCh38, 1-based): chr13:51,937,489-51,937,496, ACGTCGGC deleted on the plus strand (GCCGACGT on the coding strand, the reverse complement: ATP7B is on the minus strand). VCF-style (leftmost placement, unchanged base first): chr13-51937488-GACGTCGGC-G. GRCh37 (hg19) VCF-style: chr13-52511624-GACGTCGGC-G.
Other names: c.3262_3269del, p.Ala1088fs (NM_001005918.3); c.3550_3557del, p.Ala1184fs (NM_001243182.2); c.3649_3656del, p.Ala1217fs (NM_001330578.2); c.3631_3638del, p.Ala1211fs (NM_001330579.2); short protein forms A1211fs, A1295fs, A1088fs, A1217fs, A1184fs.
Identifiers: ClinVar variation 1459876 (VCV001459876.6), dbSNP rs2138571104, ClinGen allele CA2573149694.